The following continues an entry in ClinVar:

NM_000059.4(BRCA2):c.1813dup (p.Ile605fs)

Gene: BRCA2. ClinVar aggregate classification (germline): Pathogenic. Pathogenic (1). ClinVar aggregate classification (oncogenicity): Oncogenic.

Submissions 56 to 63 of 63:

Counsyl
Classification: Pathogenic for Breast-ovarian cancer, familial 2. Last evaluated: 2014-05-08. Review status: no assertion criteria provided. Collection method: literature only. Allele origin: unknown. Inheritance: Autosomal dominant inheritance. Not counted in ClinVar's aggregate classification.

Research Molecular Genetics Laboratory, Women's College Hospital, University of Toronto
Classification: Pathogenic for Hereditary breast ovarian cancer syndrome. Last evaluated: 2014-01-31. Review status: no assertion criteria provided. Collection method: research. Allele origin: germline. Affected: yes. Study: The Canadian Open Genetics Repository (COGR). Not counted in ClinVar's aggregate classification.

Sharing Clinical Reports Project (SCRP)
Classification: Pathogenic for Breast-ovarian cancer, familial 2. Last evaluated: 2013-10-11. Review status: no assertion criteria provided. Collection method: clinical testing. Allele origin: germline. Not counted in ClinVar's aggregate classification.

Breast Cancer Information Core (BIC) (BRCA2)
Classification: Pathogenic for Breast-ovarian cancer, familial 2. Last evaluated: 2002-05-29. Review status: no assertion criteria provided. Collection method: clinical testing. Allele origin: germline, somatic. Affected: yes. Observed: 77 variant alleles. Not counted in ClinVar's aggregate classification.

Clinical Genetics DNA and cytogenetics Diagnostics Lab, Erasmus MC, Erasmus Medical Center
Classification: Pathogenic. Review status: no assertion criteria provided. Collection method: clinical testing. Allele origin: germline. Affected: yes. Study: VKGL Data-share Consensus. Not counted in ClinVar's aggregate classification.

Clinical Genetics Laboratory, Department of Pathology, Netherlands Cancer Institute
Classification: Pathogenic. Review status: no assertion criteria provided. Collection method: clinical testing. Allele origin: germline. Affected: yes. Study: VKGL Data-share Consensus. Not counted in ClinVar's aggregate classification.

Department of Pathology and Laboratory Medicine, Sinai Health System
Classification: Pathogenic. Review status: no assertion criteria provided. Collection method: clinical testing. Allele origin: unknown. Affected: yes. Observed: 4 variant alleles. Study: The Canadian Open Genetics Repository (COGR). Not counted in ClinVar's aggregate classification.
Comment: The BRCA2 p.Ile605AsnfsX11 variant was identified in 8 of 22770 proband chromosomes (frequency: 0.00035) from individuals or families with Breast, Ovarian, or Prostate cancer (Becker, 2012; Heidemann, 2012; Janavicius, 2010; Kote-Jarai, 2011; Schubert, 1997; Zhang, 2011). The variant was shown to segregate in at least nine affected individuals with breast cancer (Schubert, 1997; Heidemann, 2012). The variant was also identified in dbSNP (ID: rs80359306) â€šÃ„ÃºWith pathogenic alleleâ€šÃ„Ã¹, HGMD, the BIC database (75X with class 5 clinical importance), and UMD (18X as a causal variant). The c.1813dupA duplication variant is predicted to cause a frameshift, which alters the protein's amino acid sequence beginning at codon 605 and leads to a premature stop codon 11 codons downstream. This alteration is then predicted to result in a truncated or absent protein and loss of function. Loss of function variants of the BRCA2 gene are an established mechanism of disease in hereditary breast and ovarian cancer and is the type of variant expected to cause the disorder. In summary, based on the above information, this variant meets our laboratoryâ€šÃ„Ã´s criteria to be classified as pathogenic.

Laboratory of Diagnostic Genome Analysis, Leiden University Medical Center (LUMC)
Classification: Pathogenic. Review status: no assertion criteria provided. Collection method: clinical testing. Allele origin: germline. Affected: yes. Study: VKGL Data-share Consensus. Not counted in ClinVar's aggregate classification.

Literature cited by the submitters: PubMed 20104584 (cited by 6 submitters); PubMed 9150150 (cited by 8 submitters); PubMed 21324516 (cited by 10 submitters); PubMed 21952622 (cited by 9 submitters); PubMed 22535016 (cited by 5 submitters); PubMed 22729890 (cited by 10 submitters); PubMed 15695382 (cited by Center for Genomic Medicine, Rigshospitalet, Copenhagen University Hospital); PubMed 33471991 (cited by 4 submitters); PubMed 34504103 (cited by Dasa); PubMed 16199546 (cited by Dasa); PubMed 17063271 (cited by Dasa); PubMed 25632310 (cited by Dasa); PubMed 11179017 (cited by GeneKor MSA); PubMed 14559878 (cited by GeneKor MSA); PubMed 16683254 (cited by GeneKor MSA); PubMed 10923033 (cited by GeneKor MSA); PubMed 22144684 (cited by GeneKor MSA); PubMed 26787237 (cited by GeneKor MSA); PubMed 25479140 (cited by GeneKor MSA); PubMed 28324225 (cited by 3 submitters); PubMed 29433453 (cited by 5 submitters); PubMed 30257646 (cited by GeneKor MSA and Quest Diagnostics Nichols Institute San Juan Capistrano); PubMed 32606146 (cited by GeneKor MSA and Quest Diagnostics Nichols Institute San Juan Capistrano); PubMed 36169650 (cited by GeneKor MSA and Quest Diagnostics Nichols Institute San Juan Capistrano); PubMed 15024741 (cited by 4 submitters); PubMed 21548014 (cited by 4 submitters); PubMed 23199084 (cited by 5 submitters); PubMed 30322717 (cited by Ambry Genetics); PubMed 30715675 (cited by Ambry Genetics and University of Science and Technology Houari Boumediene, Laboratory of Molecular and Cellular Biology (LBCM)); PubMed 30720863 (cited by Ambry Genetics); PubMed 29446198 (cited by 3 submitters); PubMed 9585613 (cited by 3 submitters); PubMed 9667259 (cited by 3 submitters); PubMed 11802209 (cited by Color Diagnostics, LLC DBA Color Health and All of Us Research Program, National Institutes of Health); PubMed 15070707 (cited by 4 submitters); PubMed 18042939 (cited by 3 submitters); PubMed 21232165 (cited by 5 submitters); PubMed 24156927 (cited by Color Diagnostics, LLC DBA Color Health and All of Us Research Program, National Institutes of Health); PubMed 25072261 (cited by 3 submitters); PubMed 28724667 (cited by Color Diagnostics, LLC DBA Color Health and All of Us Research Program, National Institutes of Health); PubMed 36721989 (cited by Mayo Clinic Laboratories, Mayo Clinic); PubMed 8665505 (cited by Quest Diagnostics Nichols Institute San Juan Capistrano and Counsyl); PubMed 26295337 (cited by Quest Diagnostics Nichols Institute San Juan Capistrano); PubMed 28726808 (cited by Sema4); PubMed 23683081 (cited by Women's Health and Genetics/Laboratory Corporation of America, LabCorp); PubMed 18489799 (cited by Women's Health and Genetics/Laboratory Corporation of America, LabCorp); PubMed 10699917 (cited by Women's Health and Genetics/Laboratory Corporation of America, LabCorp and Laboratory for Molecular Medicine, Mass General Brigham Personalized Medicine); PubMed 15689453 (cited by Laboratory for Molecular Medicine, Mass General Brigham Personalized Medicine); PubMed 38922859 (cited by Molecular Oncology, Hospital Universitario Central de Asturias (HUCA)); PubMed 32295079 (cited by CZECANCA consortium).